The following is an entry in ClinVar:

NM_007215.4(POLG2):c.584dup (p.Asn195fs)

Genes: MILR1 (mast cell immunoglobulin like receptor 1; plus strand), POLG2 (DNA polymerase gamma 2, accessory subunit; minus strand). Cytogenetic location: 17q23.3.
Variant type: Duplication.
Coding change: c.584dup on transcript NM_007215.4 (MANE Select); coding-DNA position 584, one base duplicated (A; older notation c.584dupA).
Protein change: p.Asn195fs; shifts the reading frame from asparagine 195.
Molecular consequence: frameshift variant.
Genome position (GRCh38, 1-based): chr17:64,493,000, T duplicated on the plus strand (A on the coding strand, the reverse complement: POLG2 is on the minus strand); the first of 2 consecutive T bases (chr17:64,493,000-64,493,001); duplicating either gives the same sequence. VCF-style (leftmost placement, unchanged base first): chr17-64492999-A-AT. GRCh37 (hg19) VCF-style: chr17-62489116-A-AT.
Other names: short protein forms N195fs.
Identifiers: ClinVar variation 1442683 (VCV001442683.6), dbSNP rs2144200458, ClinGen allele CA2573154610.

ClinVar aggregate classification (germline): Pathogenic (1 of 4 stars; one submission).

Submission:

Labcorp Genetics (formerly Invitae), Labcorp
Classification: Pathogenic. Last evaluated: 2021-12-03. Review status: criteria provided, single submitter. Criteria: Invitae Variant Classification Sherloc (09022015). Collection method: clinical testing. Allele origin: germline.
Comment: This sequence change creates a premature translational stop signal (p.Asn195Lysfs*26) in the POLG2 gene. It is expected to result in an absent or disrupted protein product. Loss-of-function variants in POLG2 are known to be pathogenic (PMID: 28078310, 29625556). This variant is not present in population databases (gnomAD no frequency). This variant has not been reported in the literature in individuals affected with POLG2-related conditions. For these reasons, this variant has been classified as Pathogenic.

Literature cited by the submitters: PubMed 28078310; PubMed 29625556.